The following is an entry in ClinVar:

NM_000142.5(FGFR3):c.2205C>G (p.Pro735=)

Gene: FGFR3 (fibroblast growth factor receptor 3; plus strand). Cytogenetic location: 4p16.3.
Variant type: single nucleotide variant.
Coding change: c.2205C>G on transcript NM_000142.5 (MANE Select); coding-DNA position 2205, C replaced by G.
Protein change: p.Pro735=; no amino-acid change (proline 735 retained).
Molecular consequence: synonymous variant. On other transcripts: missense variant (1), non-coding transcript variant (1).
Genome position (GRCh38, 1-based): chr4:1,806,865, C>G. VCF-style: chr4-1806865-C-G. GRCh37 (hg19) VCF-style: chr4-1808592-C-G.
Other names: p.Pro735=; c.2211C>G, p.Pro737= (NM_001163213.2); c.2208C>G, p.Pro736= (NM_001354809.2); c.2137C>G, p.Leu713Val (NM_001354810.2); c.1869C>G, p.Pro623= (NM_022965.4); short protein forms L713V.
Identifiers: ClinVar variation 255338 (VCV000255338.18), dbSNP rs145020302, ClinGen allele CA2810774.

ClinVar aggregate classification (germline): Benign/Likely benign. Review status: criteria provided, multiple submitters, no conflicts (2 of 4 stars). 8 submissions from 8 submitters: Benign (5); Likely benign (1). 2 of the submissions do not count toward it. Last evaluated 2025-12-23.

Allele frequency attached by ClinVar (database versions not stated): gnomAD exomes 0.00079; ExAC 0.00128; gnomAD 0.00287; TOPMed 0.00350; ESP Exome Variant Server 0.00377; 1000 Genomes Project 0.00419; 1000 Genomes Project 30x 0.00437.

Submissions (8):

Labcorp Genetics (formerly Invitae), Labcorp
Classification: Benign. Last evaluated: 2025-12-23. Review status: criteria provided, single submitter. Criteria: Invitae Variant Classification Sherloc (09022015). Collection method: clinical testing. Allele origin: germline.

Mayo Clinic Laboratories, Mayo Clinic
Classification: Benign. Last evaluated: 2025-03-20. Review status: criteria provided, single submitter. Criteria: ACMG Guidelines, 2015. Collection method: clinical testing. Allele origin: germline. Observed: 3 variant alleles.
Comment: BA1, BS2, BP4, BP7

Blueprint Genetics
Classification: Likely benign. Last evaluated: 2024-10-08. Review status: criteria provided, single submitter. Criteria: ACMG Guidelines, 2015. Collection method: clinical testing. Allele origin: germline.

GeneDx
Classification: Benign. Last evaluated: 2017-09-11. Review status: criteria provided, single submitter. Criteria: GeneDx Variant Classification (06012015). Collection method: clinical testing. Allele origin: germline. Affected: yes.
Comment: This variant is considered likely benign or benign based on one or more of the following criteria: it is a conservative change, it occurs at a poorly conserved position in the protein, it is predicted to be benign by multiple in silico algorithms, and/or has population frequency not consistent with disease.

Athena Diagnostics
Classification: Benign. Last evaluated: 2016-11-21. Review status: criteria provided, single submitter. Criteria: Athena Diagnostics Criteria. Collection method: clinical testing. Allele origin: germline.

PreventionGenetics, part of Exact Sciences
Classification: Benign. Review status: criteria provided, single submitter. Criteria: ACMG Guidelines, 2015. Collection method: clinical testing. Allele origin: germline.

Joint Genome Diagnostic Labs from Nijmegen and Maastricht, Radboudumc and MUMC+
Classification: Likely benign. Review status: no assertion criteria provided. Collection method: clinical testing. Allele origin: germline. Affected: yes. Study: VKGL Data-share Consensus. Not counted in ClinVar's aggregate classification.

Laboratory of Diagnostic Genome Analysis, Leiden University Medical Center (LUMC)
Classification: Likely benign. Review status: no assertion criteria provided. Collection method: clinical testing. Allele origin: germline. Affected: yes. Study: VKGL Data-share Consensus. Not counted in ClinVar's aggregate classification.